The following is an entry in ClinVar:

ClinVar aggregate classification (germline): Likely benign. Review status: criteria provided, multiple submitters, no conflicts (2 of 4 stars). 3 submissions from 3 submitters: Likely benign (3). Last evaluated 2024-05-06.

Conditions:
Polyglucosan body myopathy type 2. Identifiers: Orphanet 456369, MedGen C4015452, MONDO:0014526, OMIM 616199.
Glycogen storage disease XV (GSD15). Also called: GLYCOGENIN DEFICIENCY; GSD XV. Identifiers: Orphanet 263297, MedGen C3150754, MONDO:0013291, OMIM 613507.

Allele frequency attached by ClinVar (database versions not stated): ExAC 0.00001.
gnomAD v4.1: 2 of 1,599,260 alleles (0.00013%); highest among the groups gnomAD compares: Non-Finnish European, 0.000086%; no homozygotes.

Submissions (3):

Blueprint Genetics
Classification: Likely benign. Last evaluated: 2024-05-06. Review status: criteria provided, single submitter. Criteria: ACMG Guidelines, 2015. Collection method: clinical testing. Allele origin: germline.

Labcorp Genetics (formerly Invitae), Labcorp
Classification: Likely benign for Polyglucosan body myopathy type 2; Glycogen storage disease XV. Last evaluated: 2024-03-18. Review status: criteria provided, single submitter. Criteria: Invitae Variant Classification Sherloc (09022015). Collection method: clinical testing. Allele origin: germline.

CeGaT Center for Human Genetics Tuebingen
Classification: Likely benign. Last evaluated: 2022-10-01. Review status: criteria provided, single submitter. Criteria: CeGaT Center For Human Genetics Tuebingen Variant Classification Criteria Version 2. Collection method: clinical testing. Allele origin: germline. Affected: yes. Observed: 1 variant allele.
Comment: GYG1: BP4, BP7

NM_004130.4(GYG1):c.882A>G (p.Glu294=)

Gene: GYG1 (glycogenin 1; plus strand). Cytogenetic location: 3q24.
Variant type: single nucleotide variant.
Coding change: c.882A>G on transcript NM_004130.4 (MANE Select); coding-DNA position 882, A replaced by G.
Protein change: p.Glu294=; no amino-acid change (glutamic acid 294 retained).
Molecular consequence: synonymous variant. On other transcripts: missense variant (1).
Genome position (GRCh38, 1-based): chr3:149,026,762, A>G. VCF-style: chr3-149026762-A-G. GRCh37 (hg19) VCF-style: chr3-148744549-A-G.
Other names: c.831A>G, p.Glu277= (NM_001184720.2); c.611A>G, p.Lys204Arg (NM_001184721.2); short protein forms K204R.
Identifiers: ClinVar variation 2654212 (VCV002654212.27), dbSNP rs752513837, ClinGen allele CA2658704.